The following is an entry in ClinVar:

ClinVar aggregate classification (germline): Uncertain significance (1 of 4 stars; one submission).

Conditions:
PKD1-related disorder. Also called: PKD1-related condition.

gnomAD v4.1: 43 of 1,609,952 alleles (0.0027%); highest among the groups gnomAD compares: East Asian, 0.018%; no homozygotes.

Submission:

PreventionGenetics, part of Exact Sciences
Classification: Uncertain significance for PKD1-related condition. Last evaluated: 2026-02-11. Review status: criteria provided, single submitter. Criteria: ACMG Guidelines, 2015. Collection method: clinical testing. Allele origin: germline.
Comment: The PKD1 c.12761C>T variant is predicted to result in the amino acid substitution p.Ala4254Val. To our knowledge, this variant has not been reported in the literature. This variant is reported in 0.016% of alleles in individuals of East Asian descent in gnomAD. At this time, the clinical significance of this variant is uncertain due to the absence of conclusive functional and genetic evidence.

NM_001009944.3(PKD1):c.12761C>T (p.Ala4254Val)

Gene: PKD1 (polycystin 1, transient receptor potential channel interacting; minus strand). Cytogenetic location: 16p13.3.
Variant type: single nucleotide variant.
Coding change: c.12761C>T on transcript NM_001009944.3 (MANE Select); coding-DNA position 12761, C replaced by T.
Protein change: p.Ala4254Val; replaces alanine 4254 with valine.
Molecular consequence: missense variant.
Genome position (GRCh38, 1-based): chr16:2,089,878, G>A on the plus strand (C>T on the coding strand, the complement: PKD1 is on the minus strand). VCF-style: chr16-2089878-G-A. GRCh37 (hg19) VCF-style: chr16-2139879-G-A.
Other names: c.12758C>T, p.Ala4253Val (NM_000296.4); short protein forms A4253V, A4254V.
Identifiers: ClinVar variation 4982246 (VCV004982246.1).
Genomic context (GRCh38, chr16:2,089,878, plus strand): 5'-AGGCGGCTGGGCAGTGCTGGCCGCAGGCCCGGGGATGGGCCACGGGAAGATCCGGCGGGC[G>A]CCCGGCTGCTCCTGCGGCCTTGCAGGCTGTGCAGCTGCTGCTCCAGCTGGTAGACGTCCT-3'
Protein context (NP_001009944.3, residues 4244-4264): HSLQGRRSSR[Ala4254Val]PAGSSRGPSP